The following is an entry in ClinVar:

ClinVar aggregate classification (germline): Benign. Review status: criteria provided, multiple submitters, no conflicts (2 of 4 stars). 3 submissions from 3 submitters: Benign (2). 1 of the submissions does not count toward it. Last evaluated 2025-07-03.

Conditions:
Metaphyseal chondrodysplasia, Schmid type (MCDS). Also called: SPONDYLOMETAPHYSEAL DYSPLASIA, JAPANESE TYPE. Identifiers: Orphanet 174, MedGen C0265289, MONDO:0007983, OMIM 156500.
COL10A1-related disorder. Also called: COL10A1-related condition.

Allele frequency attached by ClinVar (database versions not stated): TOPMed 0.00012; ESP Exome Variant Server 0.00031; 1000 Genomes Project 30x 0.00156; gnomAD exomes 0.00163 and 0.00401; 1000 Genomes Project 0.00200; gnomAD 0.00306 and 0.00329; ExAC 0.00311.
gnomAD v4.1: 2,822 of 1,614,150 alleles (0.17%); highest among the groups gnomAD compares: Non-Finnish European, 0.016%; 56 homozygotes.

Submissions (3):

Labcorp Genetics (formerly Invitae), Labcorp
Classification: Benign. Last evaluated: 2025-07-03. Review status: criteria provided, single submitter. Criteria: Invitae Variant Classification Sherloc (09022015). Collection method: clinical testing. Allele origin: germline.

Illumina Laboratory Services, Illumina
Classification: Benign for Metaphyseal chondrodysplasia, Schmid type. Last evaluated: 2018-01-13. Review status: criteria provided, single submitter. Criteria: ICSL Variant Classification Criteria 13 December 2019. Collection method: clinical testing. Allele origin: germline.
Comment: This variant was observed in the ICSL laboratory as part of a predisposition screen in an ostensibly healthy population. It had not been previously curated by ICSL or reported in the Human Gene Mutation Database (HGMD: prior to June 1st, 2018), and was therefore a candidate for classification through an automated scoring system. Utilizing variant allele frequency, disease prevalence and penetrance estimates, and inheritance mode, an automated score was calculated to assess if this variant is too frequent to cause the disease. Based on the score and internal cut-off values, a variant classified as benign is not then subjected to further curation. The score for this variant resulted in a classification of benign for this disease.

PreventionGenetics, part of Exact Sciences
Classification: Benign for COL10A1-related condition. Last evaluated: 2019-12-23. Review status: no assertion criteria provided. Collection method: clinical testing. Allele origin: germline. Not counted in ClinVar's aggregate classification.
Comment: This variant is classified as benign based on ACMG/AMP sequence variant interpretation guidelines (Richards et al. 2015 PMID: 25741868, with internal and published modifications).

NM_000493.4(COL10A1):c.625G>A (p.Gly209Ser)

Genes: COL10A1 (collagen type X alpha 1 chain; minus strand), NT5DC1 (5'-nucleotidase domain containing 1; plus strand). Cytogenetic location: 6q22.1.
Variant type: single nucleotide variant.
Coding change: c.625G>A on transcript NM_000493.4 (MANE Select); coding-DNA position 625, G replaced by A.
Protein change: p.Gly209Ser; replaces glycine 209 with serine.
Molecular consequence: missense variant. On other transcripts: intron variant (1).
Genome position (GRCh38, 1-based): chr6:116,121,491, C>T on the plus strand (G>A on the coding strand, the complement: COL10A1 is on the minus strand). VCF-style: chr6-116121491-C-T. GRCh37 (hg19) VCF-style: chr6-116442654-C-T.
Other names: c.625G>A, p.Gly209Ser (NM_001424106.1, NM_001424107.1); c.529+3546C>T (NM_152729.3); short protein forms G209S.
Identifiers: ClinVar variation 903874 (VCV000903874.13), dbSNP rs146114911, ClinGen allele CA3968357.